The following is an entry in ClinVar:

NM_000093.5(COL5A1):c.4230+5C>A

Gene: COL5A1 (collagen type V alpha 1 chain; plus strand). Cytogenetic location: 9q34.3.
Variant type: single nucleotide variant.
Coding change: c.4230+5C>A on transcript NM_000093.5 (MANE Select); 5 bases into the intron after coding-DNA position 4230, C replaced by A.
Molecular consequence: intron variant.
Genome position (GRCh38, 1-based): chr9:134,817,836, C>A. VCF-style: chr9-134817836-C-A. GRCh37 (hg19) VCF-style: chr9-137709682-C-A.
Other names: c.4230+5C>A (NM_001278074.1).
Identifiers: ClinVar variation 2420102 (VCV002420102.9), dbSNP rs142248898, ClinGen allele CA1883367889.

ClinVar aggregate classification (germline): Uncertain significance (1 of 4 stars; one submission).

Conditions:
Ehlers-Danlos syndrome, classic type, 1 (EDSCL1). Also called: EDS I; EHLERS-DANLOS SYNDROME, GRAVIS TYPE; EHLERS-DANLOS SYNDROME, SEVERE CLASSIC TYPE; Ehlers-Danlos syndrome, type 1; Ehlers-Danlos Syndrome, Classic Type, COL5A1-Related. Identifiers: MedGen C0268335, MONDO:0019567, OMIM 130000.

gnomAD v4.1: 1 of 1,603,076 alleles (0.000062%); highest among the groups gnomAD compares: Non-Finnish European, 0.000085%; no homozygotes.

Submission:

Labcorp Genetics (formerly Invitae), Labcorp
Classification: Uncertain significance for Ehlers-Danlos syndrome, classic type, 1. Last evaluated: 2022-08-27. Review status: criteria provided, single submitter. Criteria: Invitae Variant Classification Sherloc (09022015). Collection method: clinical testing. Allele origin: germline.
Comment: This variant has not been reported in the literature in individuals affected with COL5A1-related conditions. In summary, the available evidence is currently insufficient to determine the role of this variant in disease. Therefore, it has been classified as a Variant of Uncertain Significance. Variants that disrupt the consensus splice site are a relatively common cause of aberrant splicing (PMID: 17576681, 9536098). Algorithms developed to predict the effect of sequence changes on RNA splicing suggest that this variant is not likely to affect RNA splicing. This variant is not present in population databases (gnomAD no frequency). This sequence change falls in intron 54 of the COL5A1 gene. It does not directly change the encoded amino acid sequence of the COL5A1 protein. It affects a nucleotide within the consensus splice site.

Literature cited by the submitters: PubMed 17576681; PubMed 9536098.